The following is an entry in ClinVar:

NM_001165963.4(SCN1A):c.2946+56A>G

Gene: SCN1A (sodium voltage-gated channel alpha subunit 1; minus strand). Cytogenetic location: 2q24.3.
Variant type: single nucleotide variant.
Coding change: c.2946+56A>G on transcript NM_001165963.4 (MANE Select); 56 bases into the intron after coding-DNA position 2946, A replaced by G.
Molecular consequence: intron variant.
Genome position (GRCh38, 1-based): chr2:166,037,720, T>C on the plus strand (A>G on the coding strand, the complement: SCN1A is on the minus strand). VCF-style: chr2-166037720-T-C. GRCh37 (hg19) VCF-style: chr2-166894230-T-C.
Other names: c.2913+56A>G (NM_001353949.2, NM_001353950.2, NM_001353951.2 and 2 more transcripts); c.2862+56A>G (NM_001353958.2, NM_001353957.2, NM_001165964.3); c.2946+56A>G (NM_001202435.3, NM_001353948.2); c.2910+56A>G (NM_001353955.2, NM_001353954.2); c.2859+56A>G (NM_001353960.2); c.504+56A>G (NM_001353961.2).
Identifiers: ClinVar variation 670620 (VCV000670620.4), dbSNP rs2020318, ClinGen allele CA15155068.

ClinVar aggregate classification (germline): Benign. Review status: criteria provided, multiple submitters, no conflicts (2 of 4 stars). 3 submissions from 3 submitters: Benign (3). Last evaluated 2024-07-15.

Allele frequency attached by ClinVar (database versions not stated): gnomAD exomes 0.70362; gnomAD 0.73869 and 0.73878; TOPMed 0.74049; 1000 Genomes Project 30x 0.78795; 1000 Genomes Project 0.78934.
gnomAD v4.1: 1,043,695 of 1,476,640 alleles (71%); highest among the groups gnomAD compares: East Asian, 89%; 371,828 homozygotes.

Submissions (3):

Unidad de Genómica Garrahan, Hospital de Pediatría Garrahan
Classification: Benign. Last evaluated: 2024-07-15. Review status: criteria provided, single submitter. Criteria: ACMG Guidelines, 2015. Collection method: clinical testing. Allele origin: germline. Affected: no. Observed: 84 variant alleles.
Comment: This variant is classified as Benign based on local population frequency. This variant was detected in 90% of patients studied in a panel designed for Epileptic and Developmental Encephalopathy and Progressive Myoclonus Epilepsy. Number of patients: 84. Only high quality variants are reported.

GeneDx
Classification: Benign. Last evaluated: 2018-06-14. Review status: criteria provided, single submitter. Criteria: GeneDx Variant Classification (06012015). Collection method: clinical testing. Allele origin: germline. Affected: yes.
Comment: This variant is considered likely benign or benign based on one or more of the following criteria: it is a conservative change, it occurs at a poorly conserved position in the protein, it is predicted to be benign by multiple in silico algorithms, and/or has population frequency not consistent with disease.

Breakthrough Genomics
Classification: Benign. Review status: criteria provided, single submitter. Criteria: ACMG Guidelines, 2015. Collection method: not provided. Allele origin: germline. Inheritance: Autosomal dominant inheritance. Affected: yes.